The following is an entry in ClinVar:

ClinVar aggregate classification (germline): Uncertain significance (1 of 4 stars; one submission).

Conditions:
Hereditary cancer-predisposing syndrome. Also called: Tumor predisposition; Neoplastic Syndromes, Hereditary; Hereditary Cancer Syndrome; Hereditary neoplastic syndrome. Identifiers: Orphanet 140162, MedGen C0027672, MeSH D009386, MONDO:0015356.

Submission:

Ambry Genetics
Classification: Uncertain significance for Hereditary cancer-predisposing syndrome. Last evaluated: 2025-06-13. Review status: criteria provided, single submitter. Criteria: Ambry Variant Classification Scheme 2023. Collection method: clinical testing. Allele origin: germline.
Comment: The p.F1025I variant (also known as c.3073T>A), located in coding exon 13 of the MET gene, results from a T to A substitution at nucleotide position 3073. The phenylalanine at codon 1025 is replaced by isoleucine, an amino acid with highly similar properties. This amino acid position is not well conserved in available vertebrate species. In addition, this alteration is predicted to be tolerated by in silico analysis. Based on the available evidence, the clinical significance of this variant remains unclear.

NM_000245.4(MET):c.3019T>A (p.Phe1007Ile)

Gene: MET (MET proto-oncogene, receptor tyrosine kinase; plus strand). Cytogenetic location: 7q31.2.
Variant type: single nucleotide variant.
Coding change: c.3019T>A on transcript NM_000245.4 (MANE Select); coding-DNA position 3019, T replaced by A.
Protein change: p.Phe1007Ile; replaces phenylalanine 1007 with isoleucine.
Molecular consequence: missense variant.
Genome position (GRCh38, 1-based): chr7:116,771,980, T>A. VCF-style: chr7-116771980-T-A. GRCh37 (hg19) VCF-style: chr7-116412034-T-A.
Other names: c.3073T>A, p.Phe1025Ile (NM_001127500.3); c.1729T>A, p.Phe577Ile (NM_001324402.2); short protein forms F1007I, F1025I, F577I.
Identifiers: ClinVar variation 1727285 (VCV001727285.3), dbSNP rs2116997702, ClinGen allele CA368987486.